The following is an entry in ClinVar:

ClinVar aggregate classification (germline): Likely pathogenic. Review status: criteria provided, multiple submitters, no conflicts (2 of 4 stars). 2 submissions from 2 submitters: Likely pathogenic (2). Last evaluated 2020-12-03.

Conditions:
Majeed syndrome (MJDS). Also called: LPIN2-Related Majeed Syndrome; CHRONIC RECURRENT MULTIFOCAL OSTEOMYELITIS 1, WITH CONGENITAL DYSERYTHROPOIETIC ANEMIA, WITH OR WITHOUT NEUTROPHILIC DERMATOSIS. Identifiers: Orphanet 77297, MedGen C1864997, MONDO:0012316, OMIM 609628.
LPIN2-related disorders.

Submissions (2):

Blueprint Genetics
Classification: Likely pathogenic for LPIN2-related disorders. Last evaluated: 2020-12-03. Review status: criteria provided, single submitter. Criteria: ACMG Guidelines, 2015. Collection method: clinical testing. Allele origin: germline. Affected: yes. Observed: 1 variant allele.

Labcorp Genetics (formerly Invitae), Labcorp
Classification: Likely pathogenic for Majeed syndrome. Last evaluated: 2019-03-04. Review status: criteria provided, single submitter. Criteria: Invitae Variant Classification Sherloc (09022015). Collection method: clinical testing. Allele origin: germline.
Comment: This sequence change affects a donor splice site in intron 9 of the LPIN2 gene. It is expected to disrupt RNA splicing and likely results in an absent or disrupted protein product. This variant is not present in population databases (ExAC no frequency). This variant has not been reported in the literature in individuals with LPIN2-related conditions. Donor and acceptor splice site variants typically lead to a loss of protein function (PMID: 16199547), and loss-of-function variants in LPIN2 are known to be pathogenic (PMID: 15994876, 23087183). In summary, the currently available evidence indicates that the variant is pathogenic, but additional data are needed to prove that conclusively. Therefore, this variant has been classified as Likely Pathogenic.

Literature cited by the submitters: PubMed 23087183 (cited by Labcorp Genetics (formerly Invitae), Labcorp); PubMed 15994876 (cited by Labcorp Genetics (formerly Invitae), Labcorp).

NM_001375808.2(LPIN2):c.1451_1456+6del

Gene: LPIN2 (lipin 2; minus strand). Cytogenetic location: 18p11.31.
Variant type: Deletion.
Coding change: c.1451_1456+6del on transcript NM_001375808.2 (MANE Select); coding-DNA position 1451 through 6 bases into the intron after coding-DNA position 1456, 12 bases deleted (CAAAAGGTACGT).
Molecular consequence: splice donor variant.
Genome position (GRCh38, 1-based): chr18:2,931,250-2,931,261, ACGTACCTTTTG deleted on the plus strand (CAAAAGGTACGT on the coding strand, the reverse complement: LPIN2 is on the minus strand); deleting any 12 consecutive bases within chr18:2,931,250-2,931,262 gives the same sequence; the c. name uses the placement nearest the transcript's 3' end. VCF-style (leftmost placement, unchanged base first): chr18-2931249-AACGTACCTTTTG-A. GRCh37 (hg19) VCF-style: chr18-2931247-AACGTACCTTTTG-A.
Other names: c.1451_1456+6del (NM_014646.2, NM_001375809.1).
Identifiers: ClinVar variation 846759 (VCV000846759.2), dbSNP rs2077209051, ClinGen allele CA916081212.